The following is an entry in ClinVar:

ClinVar aggregate classification (germline): Uncertain significance (1 of 4 stars; one submission).

Conditions:
Hypertrophic cardiomyopathy. Also called: HYPERTROPHIC MYOCARDIOPATHY. Identifiers: Orphanet 217569, MedGen C0007194, MeSH D002312, MONDO:0005045, HP:0001639.

Allele frequency attached by ClinVar (database versions not stated): gnomAD exomes below 0.00001.
gnomAD v4.1: 4 of 1,612,256 alleles (0.00025%); highest among the groups gnomAD compares: Non-Finnish European, 0.00034%; no homozygotes.

Submission:

Labcorp Genetics (formerly Invitae), Labcorp
Classification: Uncertain significance for Hypertrophic cardiomyopathy. Last evaluated: 2021-08-25. Review status: criteria provided, single submitter. Criteria: Invitae Variant Classification Sherloc (09022015). Collection method: clinical testing. Allele origin: germline.
Comment: This variant is not present in population databases (ExAC no frequency). This sequence change replaces proline with serine at codon 1022 of the MYOM1 protein (p.Pro1022Ser). The proline residue is moderately conserved and there is a moderate physicochemical difference between proline and serine. This variant has not been reported in the literature in individuals affected with MYOM1-related conditions. Algorithms developed to predict the effect of missense changes on protein structure and function (SIFT, PolyPhen-2, Align-GVGD) all suggest that this variant is likely to be tolerated. In summary, the available evidence is currently insufficient to determine the role of this variant in disease. Therefore, it has been classified as a Variant of Uncertain Significance.

NM_003803.4(MYOM1):c.3064C>T (p.Pro1022Ser)

Gene: MYOM1 (myomesin 1; minus strand). Cytogenetic location: 18p11.31.
Variant type: single nucleotide variant.
Coding change: c.3064C>T on transcript NM_003803.4 (MANE Select); coding-DNA position 3064, C replaced by T.
Protein change: p.Pro1022Ser; replaces proline 1022 with serine.
Molecular consequence: missense variant.
Genome position (GRCh38, 1-based): chr18:3,119,923, G>A on the plus strand (C>T on the coding strand, the complement: MYOM1 is on the minus strand). VCF-style: chr18-3119923-G-A. GRCh37 (hg19) VCF-style: chr18-3119921-G-A.
Other names: c.2776C>T, p.Pro926Ser (NM_019856.2); short protein forms P926S, P1022S.
Identifiers: ClinVar variation 1374810 (VCV001374810.6), dbSNP rs2143833136, ClinGen allele CA401706990.